The following is an entry in ClinVar:

ClinVar aggregate classification (germline): Likely pathogenic (1 of 4 stars; one submission).

Conditions:
Coffin-Siris syndrome 1 (CSS1). Also called: ARID1B-Related Coffin-Siris Syndrome; Mental retardation, autosomal dominant 12. Identifiers: Orphanet 1465, MedGen C3281201, MONDO:0007617, OMIM 135900. Disease mechanism: gain of function.

Submission:

Laboratorio de Biologia Molecular/Medicina Genomica - IFF/Fiocruz, Instituto Fernandes Figueira, Fundacao Oswaldo Cruz
Classification: Likely pathogenic for Coffin-Siris syndrome 1. Last evaluated: 2025-09-02. Review status: criteria provided, single submitter. Criteria: ACMG Guidelines, 2015. Collection method: clinical testing. Allele origin: germline. Affected: yes. Observed: 1 variant allele.
Comment: Variant: c.3838G>T (p.Glu1280Ter), in exon 13 of the ARID1B gene. Protein effect: Nonsense variant lpredicted to undergo NMD in a gene where LoF is a known mechanism of disease. Population database (gnomAD): Absent. ACMG/AMP criteria applied: PVS1, PM2_Supporting.

NM_001374828.1(ARID1B):c.3838G>T (p.Glu1280Ter)

Gene: ARID1B (AT-rich interaction domain 1B; plus strand). Cytogenetic location: 6q25.3.
Variant type: single nucleotide variant.
Coding change: c.3838G>T on transcript NM_001374828.1 (MANE Select); coding-DNA position 3838, G replaced by T.
Protein change: p.Glu1280Ter; replaces glutamic acid 1280 with a stop codon.
Molecular consequence: nonsense.
Genome position (GRCh38, 1-based): chr6:157,184,354, G>T. VCF-style: chr6-157184354-G-T. GRCh37 (hg19) VCF-style: chr6-157505488-G-T.
Other names: c.1339G>T, p.Glu447Ter (NM_001363725.2); c.3718G>T, p.Glu1240Ter (NM_001371656.1, NM_001374820.1); c.3967G>T, p.Glu1323Ter (NM_001438482.1); c.3880G>T, p.Glu1294Ter (NM_001438483.1); c.3748G>T, p.Glu1250Ter (NM_001438485.1); c.3721G>T, p.Glu1241Ter (NM_001438486.1); c.3658G>T, p.Glu1220Ter (NM_001438487.1); c.1180G>T, p.Glu394Ter (NM_001438488.1); and 1 more; short protein forms E1220*, E1227*, E1240*, E1241*, E1250*, E1280*, E1294*, E1323*.
Identifiers: ClinVar variation 4795194 (VCV004795194.1).